The following is an entry in ClinVar:

ClinVar aggregate classification (germline): Uncertain significance (1 of 4 stars; one submission).

Conditions:
Ataxia-telangiectasia syndrome (AT). Also called: Ataxia-telangiectasia, complementation group D; AT, COMPLEMENTATION GROUP C; ATAXIA-TELANGIECTASIA, COMPLEMENTATION GROUP A; ATAXIA-TELANGIECTASIA, FRESNO VARIANT; Ataxia-telangiectasia; Cerebello-oculocutaneous telangiectasia. Identifiers: Orphanet 100, MedGen C0004135, MONDO:0008840, OMIM 208900.

Allele frequency attached by ClinVar (database versions not stated): gnomAD exomes below 0.00001.

Submission:

Labcorp Genetics (formerly Invitae), Labcorp
Classification: Uncertain significance for Ataxia-telangiectasia syndrome. Last evaluated: 2024-01-18. Review status: criteria provided, single submitter. Criteria: Invitae Variant Classification Sherloc (09022015). Collection method: clinical testing. Allele origin: germline.
Comment: This sequence change replaces valine, which is neutral and non-polar, with isoleucine, which is neutral and non-polar, at codon 1153 of the ATM protein (p.Val1153Ile). This variant is not present in population databases (gnomAD no frequency). This variant has not been reported in the literature in individuals affected with ATM-related conditions. ClinVar contains an entry for this variant (Variation ID: 1006967). Algorithms developed to predict the effect of missense changes on protein structure and function output the following: SIFT: "Not Available"; PolyPhen-2: "Benign"; Align-GVGD: "Not Available". The isoleucine amino acid residue is found in multiple mammalian species, which suggests that this missense change does not adversely affect protein function. In summary, the available evidence is currently insufficient to determine the role of this variant in disease. Therefore, it has been classified as a Variant of Uncertain Significance.

NM_000051.4(ATM):c.3457G>A (p.Val1153Ile)

Gene: ATM (ATM serine/threonine kinase; plus strand). Cytogenetic location: 11q22.3.
Variant type: single nucleotide variant.
Coding change: c.3457G>A on transcript NM_000051.4 (MANE Select); coding-DNA position 3457, G replaced by A.
Protein change: p.Val1153Ile; replaces valine 1153 with isoleucine.
Molecular consequence: missense variant.
Genome position (GRCh38, 1-based): chr11:108,281,049, G>A. VCF-style: chr11-108281049-G-A. GRCh37 (hg19) VCF-style: chr11-108151776-G-A.
Other names: c.3457G>A, p.Val1153Ile (NM_001351834.2); short protein forms V1153I.
Identifiers: ClinVar variation 1006967 (VCV001006967.9), dbSNP rs863224562, ClinGen allele CA382519383.